The following is an entry in ClinVar:

NM_000091.5(COL4A3):c.3364G>A (p.Gly1122Ser)

Genes: COL4A3 (collagen type IV alpha 3 chain; plus strand), MFF-DT (MFF divergent transcript; minus strand). Cytogenetic location: 2q36.3.
Variant type: single nucleotide variant.
Coding change: c.3364G>A on transcript NM_000091.5 (MANE Select); coding-DNA position 3364, G replaced by A.
Protein change: p.Gly1122Ser; replaces glycine 1122 with serine.
Molecular consequence: missense variant.
Genome position (GRCh38, 1-based): chr2:227,294,516, G>A. VCF-style: chr2-227294516-G-A. GRCh37 (hg19) VCF-style: chr2-228159232-G-A.
Other names: short protein forms G1122S.
Identifiers: ClinVar variation 4817250 (VCV004817250.1).

ClinVar aggregate classification (germline): Likely pathogenic (1 of 4 stars; one submission).

Conditions:
Alport syndrome. Also called: Hemorrhagic familial nephritis; Hemorrhagic hereditary nephritis; Congenital hereditary hematuria. Identifiers: Orphanet 63, MedGen C1567741, MONDO:0018965.

Submission:

Natera, Inc.
Classification: Likely pathogenic for Alport syndrome. Last evaluated: 2025-08-26. Review status: criteria provided, single submitter. Criteria: Natera Variant Classification Schema (03/2026). Collection method: clinical testing. Allele origin: germline.
Comment: The c.3364G>A variant in COL4A3 is a missense variant predicted to cause substitution of glycine to serine at amino acid 1122. This variant is rare in the general population with a frequency below the threshold expected for the associated phenotype(s). This variant is located in a functionally critical region of the protein. Computational prediction algorithms indicate this variant is likely to affect gene or protein function. Given the available evidence, this variant is classified as Likely Pathogenic.